The following is an entry in ClinVar:

NM_001206927.2(DNAH8):c.12876C>A (p.Tyr4292Ter)

Gene: DNAH8 (dynein axonemal heavy chain 8; plus strand). Cytogenetic location: 6p21.2.
Variant type: single nucleotide variant.
Coding change: c.12876C>A on transcript NM_001206927.2 (MANE Select); coding-DNA position 12876, C replaced by A.
Protein change: p.Tyr4292Ter; replaces tyrosine 4292 with a stop codon.
Molecular consequence: nonsense.
Genome position (GRCh38, 1-based): chr6:38,982,387, C>A. VCF-style: chr6-38982387-C-A. GRCh37 (hg19) VCF-style: chr6-38950163-C-A.
Other names: c.12225C>A, p.Tyr4075Ter (NM_001371.4); short protein forms Y4075*, Y4292*.
Identifiers: ClinVar variation 3627159 (VCV003627159.2).

ClinVar aggregate classification (germline): Pathogenic (1 of 4 stars; one submission).

Conditions:
Primary ciliary dyskinesia. Also called: Ciliary dyskinesia. Identifiers: Orphanet 244, MedGen C0008780, MONDO:0016575, HP:0012265.

Submission:

Labcorp Genetics (formerly Invitae), Labcorp
Classification: Pathogenic for Primary ciliary dyskinesia. Last evaluated: 2025-02-03. Review status: criteria provided, single submitter. Criteria: Invitae Variant Classification Sherloc (09022015). Collection method: clinical testing. Allele origin: germline.
Comment: This sequence change creates a premature translational stop signal (p.Tyr4292*) in the DNAH8 gene. It is expected to result in an absent or disrupted protein product. Loss-of-function variants in DNAH8 are known to be pathogenic (PMID: 24307375, 32619401, 32681648). This variant is not present in population databases (gnomAD no frequency). This variant has not been reported in the literature in individuals affected with DNAH8-related conditions. For these reasons, this variant has been classified as Pathogenic.

Literature cited by the submitters: PubMed 24307375; PubMed 32619401; PubMed 32681648.